The following is an entry in ClinVar:

ClinVar aggregate classification (germline): Uncertain significance (1 of 4 stars; one submission).

Conditions:
Hereditary cancer-predisposing syndrome. Also called: Tumor predisposition; Hereditary Cancer Syndrome; Hereditary neoplastic syndrome; Neoplastic Syndromes, Hereditary. Identifiers: Orphanet 140162, MedGen C0027672, MeSH D009386, MONDO:0015356.

Submission:

Ambry Genetics
Classification: Uncertain significance for Hereditary cancer-predisposing syndrome. Last evaluated: 2023-07-04. Review status: criteria provided, single submitter. Criteria: Ambry Variant Classification Scheme 2023. Collection method: clinical testing. Allele origin: germline.
Comment: The p.L455P variant (also known as c.1364T>C), located in coding exon 14 of the POLE gene, results from a T to C substitution at nucleotide position 1364. The leucine at codon 455 is replaced by proline, an amino acid with similar properties. This amino acid position is conserved. In addition, this alteration is predicted to be deleterious by in silico analysis. Since supporting evidence is limited at this time, the clinical significance of this alteration remains unclear.

NM_006231.4(POLE):c.1364T>C (p.Leu455Pro)

Gene: POLE (DNA polymerase epsilon, catalytic subunit; minus strand). Cytogenetic location: 12q24.33.
Variant type: single nucleotide variant.
Coding change: c.1364T>C on transcript NM_006231.4 (MANE Select); coding-DNA position 1364, T replaced by C.
Protein change: p.Leu455Pro; replaces leucine 455 with proline.
Molecular consequence: missense variant.
Genome position (GRCh38, 1-based): chr12:132,673,273, A>G on the plus strand (T>C on the coding strand, the complement: POLE is on the minus strand). VCF-style: chr12-132673273-A-G. GRCh37 (hg19) VCF-style: chr12-133249859-A-G.
Other names: short protein forms L455P.
Identifiers: ClinVar variation 2625228 (VCV002625228.2), dbSNP rs2135997066, ClinGen allele CA387358853.